The following is an entry in ClinVar:

ClinVar aggregate classification (germline): Uncertain significance (1 of 4 stars; one submission).

gnomAD v4.1: 3 of 1,611,696 alleles (0.00019%); highest among the groups gnomAD compares: Non-Finnish European, 0.00017%; no homozygotes.

Submission:

Labcorp Genetics (formerly Invitae), Labcorp
Classification: Uncertain significance. Last evaluated: 2022-02-07. Review status: criteria provided, single submitter. Criteria: Invitae Variant Classification Sherloc (09022015). Collection method: clinical testing. Allele origin: germline.
Comment: This sequence change replaces serine, which is neutral and polar, with tryptophan, which is neutral and slightly polar, at codon 1160 of the INPPL1 protein (p.Ser1160Trp). This variant is present in population databases (rs763181115, gnomAD 0.001%). In summary, the available evidence is currently insufficient to determine the role of this variant in disease. Therefore, it has been classified as a Variant of Uncertain Significance. Algorithms developed to predict the effect of missense changes on protein structure and function are either unavailable or do not agree on the potential impact of this missense change (SIFT: "Deleterious"; PolyPhen-2: "Possibly Damaging"; Align-GVGD: "Class C0"). This variant has not been reported in the literature in individuals affected with INPPL1-related conditions.

NM_001567.4(INPPL1):c.3479C>G (p.Ser1160Trp)

Gene: INPPL1 (inositol polyphosphate phosphatase like 1; plus strand). Cytogenetic location: 11q13.4.
Variant type: single nucleotide variant.
Coding change: c.3479C>G on transcript NM_001567.4 (MANE Select); coding-DNA position 3479, C replaced by G.
Protein change: p.Ser1160Trp; replaces serine 1160 with tryptophan.
Molecular consequence: missense variant.
Genome position (GRCh38, 1-based): chr11:72,237,723, C>G. VCF-style: chr11-72237723-C-G. GRCh37 (hg19) VCF-style: chr11-71948767-C-G.
Other names: short protein forms S1160W.
Identifiers: ClinVar variation 2093593 (VCV002093593.4), dbSNP rs763181115, ClinGen allele CA6170651.